The following is an entry in ClinVar:

NM_005257.6(GATA6):c.43G>A (p.Gly15Arg)

Gene: GATA6 (GATA binding protein 6; plus strand). Cytogenetic location: 18q11.2.
Variant type: single nucleotide variant.
Coding change: c.43G>A on transcript NM_005257.6 (MANE Select); coding-DNA position 43, G replaced by A.
Protein change: p.Gly15Arg; replaces glycine 15 with arginine.
Molecular consequence: missense variant.
Genome position (GRCh38, 1-based): chr18:22,171,187, G>A. VCF-style: chr18-22171187-G-A. GRCh37 (hg19) VCF-style: chr18-19751148-G-A.
Other names: short protein forms G15R.
Identifiers: ClinVar variation 698609 (VCV000698609.12), dbSNP rs116262672, ClinGen allele CA8908793.
Genomic context (GRCh38, chr18:22,171,187, plus strand): 5'-AGCGGCGCCGGACCGTGGATGGCCTTGACTGACGGCGGCTGGTGCTTGCCGAAGCGCTTC[G>A]GGGCCGCGGGTGCGGACGCCAGCGACTCCAGAGCCTTTCCAGCGCGGGAGCCCTCCACGC-3'
Protein context (NP_005248.2, residues 5-25): DGGWCLPKRF[Gly15Arg]AAGADASDSR

ClinVar aggregate classification (germline): Benign/Likely benign. Review status: criteria provided, multiple submitters, no conflicts (2 of 4 stars). 2 submissions from 2 submitters: Benign (1); Likely benign (1). Last evaluated 2026-05-05.

Conditions:
GATA6-related disorder. Also called: GATA6-related condition.
Atrioventricular septal defect 5 (AVSD5). Identifiers: MedGen C3280939, MONDO:0013769, OMIM 614474.

Allele frequency attached by ClinVar (database versions not stated): 1000 Genomes Project 30x 0.00078; 1000 Genomes Project 0.00080.
gnomAD v4.1: 312 of 1,599,746 alleles (0.02%); highest among the groups gnomAD compares: South Asian, 0.33%; 8 homozygotes.

Submissions (2):

PreventionGenetics, part of Exact Sciences
Classification: Benign for GATA6-related condition. Last evaluated: 2026-05-05. Review status: criteria provided, single submitter. Criteria: ACMG Guidelines, 2015. Collection method: clinical testing. Allele origin: germline.
Comment: This variant is classified as benign based on ACMG/AMP sequence variant interpretation guidelines (Richards et al. 2015 PMID: 25741868, with internal and published modifications).

Labcorp Genetics (formerly Invitae), Labcorp
Classification: Likely benign for Atrioventricular septal defect 5. Last evaluated: 2026-02-02. Review status: criteria provided, single submitter. Criteria: Invitae Variant Classification Sherloc (09022015). Collection method: clinical testing. Allele origin: germline.